The following is an entry in ClinVar:

ClinVar aggregate classification (germline): Uncertain significance (1 of 4 stars; one submission).

Conditions:
Dilated cardiomyopathy 1W (CMD1W). Identifiers: Orphanet 154, MedGen C1969639, MONDO:0012667, OMIM 611407.

Submission:

Labcorp Genetics (formerly Invitae), Labcorp
Classification: Uncertain significance for Dilated cardiomyopathy 1W. Last evaluated: 2022-02-24. Review status: criteria provided, single submitter. Criteria: Invitae Variant Classification Sherloc (09022015). Collection method: clinical testing. Allele origin: germline.
Comment: This premature translational stop signal has been observed in individual(s) with clinical features of VCL-related conditions (PMID: 32516855). This sequence change creates a premature translational stop signal (p.Glu952Serfs*4) in the VCL gene. It is expected to result in an absent or disrupted protein product. However, the current clinical and genetic evidence is not sufficient to establish whether loss-of-function variants in VCL cause disease. This variant is not present in population databases (gnomAD no frequency). ClinVar contains an entry for this variant (Variation ID: 240880). Algorithms developed to predict the effect of sequence changes on RNA splicing suggest that this variant may disrupt the consensus splice site. In summary, the available evidence is currently insufficient to determine the role of this variant in disease. Therefore, it has been classified as a Variant of Uncertain Significance.

Literature cited by the submitters: PubMed 32516855.

NM_014000.3(VCL):c.2853del (p.Glu952fs)

Gene: VCL (vinculin; plus strand). Cytogenetic location: 10q22.2.
Variant type: Deletion.
Coding change: c.2853del on transcript NM_014000.3 (MANE Select); coding-DNA position 2853, one base deleted (T; older notation c.2853delT).
Protein change: p.Glu952fs; shifts the reading frame from glutamic acid 952.
Molecular consequence: frameshift variant. On other transcripts: intron variant (1).
Genome position (GRCh38, 1-based): chr10:74,112,016, T deleted. VCF-style (leftmost placement, unchanged base first): chr10-74112015-CT-C. GRCh37 (hg19) VCF-style: chr10-75871773-CT-C.
Other names: c.2746-2168del (NM_003373.4); c.2853delT (NM_014000.2); short protein forms E952fs.
Identifiers: ClinVar variation 240880 (VCV000240880.6), dbSNP rs878854972, ClinGen allele CA10582737.